The following is an entry in ClinVar:

ClinVar aggregate classification (germline): Likely pathogenic (1 of 4 stars; one submission).

Conditions:
Intellectual developmental disorder, X-linked, syndromic, Billuart type. Also called: MENTAL RETARDATION, X-LINKED 60; X-linked intellectual disability-cerebellar hypoplasia syndrome. Identifiers: Orphanet 137831, MedGen C1845366, MONDO:0010337, OMIM 300486.

Submission:

Variantyx, Inc.
Classification: Likely pathogenic for Intellectual developmental disorder, X-linked, syndromic, Billuart type. Last evaluated: 2025-05-19. Review status: criteria provided, single submitter. Criteria: Variantyx Assertion Criteria 2022. Collection method: clinical testing. Allele origin: maternal. Inheritance: X-linked recessive inheritance.
Comment: This is a frameshift variant in the OPHN1 gene (OMIM: 300127). Pathogenic variants in this gene have been associated with X-linked Billuart-type syndromic intellectual developmental disorder. This variant introduces a premature termination codon in exon 22 out of 25 and is expected to result in loss of function, which is a known disease mechanism for OPHN1 in this disorder (PMID: 16221952) (PVS1). This variant is absent from control populations (PM2) and has not been reported in individuals with OPHN1-related disorders in the databases available for review. Based on the current evidence, this variant is classified as likely pathogenic for X-linked Billuart-type syndromic intellectual developmental disorder.

Literature cited by the submitters: PubMed 16221952.

NM_002547.3(OPHN1):c.2311del (p.Ile771fs)

Gene: OPHN1 (oligophrenin 1; minus strand). Cytogenetic location: Xq12.
Variant type: Deletion.
Coding change: c.2311del on transcript NM_002547.3 (MANE Select); coding-DNA position 2311, one base deleted (A; older notation c.2311delA).
Protein change: p.Ile771fs; shifts the reading frame from isoleucine 771.
Molecular consequence: frameshift variant.
Genome position (GRCh38, 1-based): chrX:68,053,658, T deleted on the plus strand (A on the coding strand, the reverse complement: OPHN1 is on the minus strand); the first of 3 consecutive T bases (chrX:68,053,658-68,053,660); deleting any one gives the same sequence. VCF-style (leftmost placement, unchanged base first): chrX-68053657-AT-A. GRCh37 (hg19) VCF-style: chrX-67273499-AT-A.
Other names: c.1987del, p.Ile663fs (NM_001437258.1); short protein forms I771fs, I663fs.
Identifiers: ClinVar variation 4795918 (VCV004795918.1).